The following is an entry in ClinVar:

NM_032730.5(RTN4IP1):c.901G>T (p.Val301Leu)

Gene: RTN4IP1 (reticulon 4 interacting protein 1; minus strand). Cytogenetic location: 6q21.
Variant type: single nucleotide variant.
Coding change: c.901G>T on transcript NM_032730.5 (MANE Select); coding-DNA position 901, G replaced by T.
Protein change: p.Val301Leu; replaces valine 301 with leucine.
Molecular consequence: missense variant.
Genome position (GRCh38, 1-based): chr6:106,587,768, C>A on the plus strand (G>T on the coding strand, the complement: RTN4IP1 is on the minus strand). VCF-style: chr6-106587768-C-A. GRCh37 (hg19) VCF-style: chr6-107035643-C-A.
Other names: c.601G>T, p.Val201Leu (NM_001318746.1); short protein forms V201L, V301L.
Identifiers: ClinVar variation 1501179 (VCV001501179.7), dbSNP rs756132764, ClinGen allele CA365154188.

ClinVar aggregate classification (germline): Uncertain significance (1 of 4 stars; one submission).

gnomAD v4.1: 1 of 1,613,994 alleles (0.000062%); highest among the groups gnomAD compares: Non-Finnish European, 0.000085%; no homozygotes.

Submission:

Labcorp Genetics (formerly Invitae), Labcorp
Classification: Uncertain significance. Last evaluated: 2022-03-10. Review status: criteria provided, single submitter. Criteria: Invitae Variant Classification Sherloc (09022015). Collection method: clinical testing. Allele origin: germline.
Comment: This sequence change replaces valine, which is neutral and non-polar, with leucine, which is neutral and non-polar, at codon 301 of the RTN4IP1 protein (p.Val301Leu). This variant is not present in population databases (gnomAD no frequency). This variant has not been reported in the literature in individuals affected with RTN4IP1-related conditions. Algorithms developed to predict the effect of missense changes on protein structure and function are either unavailable or do not agree on the potential impact of this missense change (SIFT: "Deleterious"; PolyPhen-2: "Possibly Damaging"; Align-GVGD: "Class C0"). In summary, the available evidence is currently insufficient to determine the role of this variant in disease. Therefore, it has been classified as a Variant of Uncertain Significance.